The following is an entry in ClinVar:

ClinVar aggregate classification (germline): Likely benign (1 of 4 stars; one submission).

Submission:

CeGaT Center for Human Genetics Tuebingen
Classification: Likely benign. Last evaluated: 2026-09-01. Review status: criteria provided, single submitter. Criteria: CeGaT Center For Human Genetics Tuebingen Variant Classification Criteria Version 2. Collection method: clinical testing. Allele origin: germline. Affected: yes. Observed: 4 variant alleles.
Comment: GNAS: BS1

NM_080425.4(GNAS):c.2069-5316_2069-5305del

Gene: GNAS (GNAS complex locus; plus strand). Cytogenetic location: 20q13.32.
Variant type: Deletion.
Coding change: c.2069-5316_2069-5305del on transcript NM_080425.4 (MANE Plus Clinical); 5316 bases into the intron before coding-DNA position 2069 through 5305 bases into the intron before coding-DNA position 2069, 12 bases deleted (AGGAGGGCGCCG).
Molecular consequence: intron variant.
Genome position (GRCh38, 1-based): chr20:58,890,296-58,890,307, AGGAGGGCGCCG deleted; deleting any 12 consecutive bases within chr20:58,890,286-58,890,307 gives the same sequence; the c. name uses the placement nearest the transcript's 3' end. VCF-style (leftmost placement, unchanged base first): chr20-58890285-CGAGGGCGCCGAG-C. GRCh37 (hg19) VCF-style: chr20-57465340-CGAGGGCGCCGAG-C.
Other names: c.*43-5316_*43-5305del (NM_016592.5); c.44-5316_44-5305del (NM_001410912.1); c.-38-5316_-38-5305del (NM_001309861.2); c.*1-5316_*1-5305del (NM_001077490.3); c.2069-5316_2069-5305del (NM_001410913.1); c.*159-5316_*159-5305del (NM_001309883.1); c.-39+943_-39+954del (NM_001438273.1, NM_001309840.2); c.-39+964_-39+975del (NM_001439291.1, NM_001438274.1).
Identifiers: ClinVar variation 2652445 (VCV002652445.22), dbSNP rs967908095, ClinGen allele CA316318906.